The following is an entry in ClinVar:

ClinVar aggregate classification (germline): Likely pathogenic (1 of 4 stars; one submission).

Conditions:
Muscular dystrophy-dystroglycanopathy (congenital with brain and eye anomalies), type A2. Also called: MUSCULAR DYSTROPHY-DYSTROGLYCANOPATHY (CONGENITAL WITH BRAIN AND EYE ANOMALIES), TYPE A, 2; WALKER-WARBURG SYNDROME OR MUSCLE-EYE-BRAIN DISEASE, POMT2-RELATED. Identifiers: Orphanet 588, Orphanet 899, MedGen C3150411, MONDO:0013154, OMIM 613150.
Autosomal recessive limb-girdle muscular dystrophy type 2N. Also called: MUSCULAR DYSTROPHY-DYSTROGLYCANOPATHY, LIMB-GIRDLE, POMT2-RELATED; Muscular dystrophy-dystroglycanopathy (limb-girdle), type C, 2. Identifiers: Orphanet 206559, MedGen C3150418, MONDO:0013162, OMIM 613158.
Muscular dystrophy-dystroglycanopathy (congenital with impaired intellectual development), type B, 2. Also called: Muscular dystrophy-dystroglycanopathy (congenital with intellectual disability), type B2; MUSCULAR DYSTROPHY, CONGENITAL, POMT2-RELATED. Identifiers: MedGen C3150416, MONDO:0013160, OMIM 613156.

gnomAD v4.1: 4 of 1,614,062 alleles (0.00025%); highest among the groups gnomAD compares: Non-Finnish European, 0.00025%; no homozygotes.

Submission:

Labcorp Genetics (formerly Invitae), Labcorp
Classification: Likely pathogenic for Muscular dystrophy-dystroglycanopathy (congenital with impaired intellectual development), type B, 2; Muscular dystrophy-dystroglycanopathy (congenital with brain and eye anomalies), type A2; Autosomal recessive limb-girdle muscular dystrophy type 2N. Last evaluated: 2022-06-22. Review status: criteria provided, single submitter. Criteria: Invitae Variant Classification Sherloc (09022015). Collection method: clinical testing. Allele origin: germline.
Comment: Algorithms developed to predict the effect of sequence changes on RNA splicing suggest that this variant may disrupt the consensus splice site. In summary, the currently available evidence indicates that the variant is pathogenic, but additional data are needed to prove that conclusively. Therefore, this variant has been classified as Likely Pathogenic. This variant has not been reported in the literature in individuals affected with POMT2-related conditions. This variant is not present in population databases (gnomAD no frequency). This sequence change affects a donor splice site in intron 13 of the POMT2 gene. It is expected to disrupt RNA splicing. Variants that disrupt the donor or acceptor splice site typically lead to a loss of protein function (PMID: 16199547), and loss-of-function variants in POMT2 are known to be pathogenic (PMID: 15894594).

Literature cited by the submitters: PubMed 16199547; PubMed 15894594.

NM_013382.7(POMT2):c.1484+1G>A

Gene: POMT2 (protein O-mannosyltransferase 2; minus strand). Cytogenetic location: 14q24.3.
Variant type: single nucleotide variant.
Coding change: c.1484+1G>A on transcript NM_013382.7 (MANE Select); the canonical splice donor site of the intron after coding-DNA position 1484, G replaced by A.
Molecular consequence: splice donor variant.
Genome position (GRCh38, 1-based): chr14:77,285,480, C>T on the plus strand (G>A on the coding strand, the complement: POMT2 is on the minus strand). VCF-style: chr14-77285480-C-T. GRCh37 (hg19) VCF-style: chr14-77751823-C-T.
Identifiers: ClinVar variation 2086481 (VCV002086481.4), dbSNP rs727502857, ClinGen allele CA390517246.